The following is an entry in ClinVar:

NM_005171.5(ATF1):c.-6-4815T>G

Gene: ATF1 (activating transcription factor 1; plus strand). Cytogenetic location: 12q13.12.
Variant type: single nucleotide variant.
Coding change: c.-6-4815T>G on transcript NM_005171.5 (MANE Select); 4815 bases into the intron before 6 bases upstream of the start codon, T replaced by G.
Molecular consequence: intron variant.
Genome position (GRCh38, 1-based): chr12:50,775,325, T>G. VCF-style: chr12-50775325-T-G. GRCh37 (hg19) VCF-style: chr12-51169108-T-G.
Identifiers: ClinVar variation 1259273 (VCV001259273.2), dbSNP rs7959129, ClinGen allele CA236795761.

ClinVar aggregate classification (germline): Benign (1 of 4 stars; one submission).

Allele frequency attached by ClinVar (database versions not stated): gnomAD 0.83977 and 0.84033; 1000 Genomes Project 0.74042; TOPMed 0.81662.
gnomAD v4.1: 127,228 of 151,270 alleles (84%); highest among the groups gnomAD compares: Non-Finnish European, 98%; 55,413 homozygotes.

Submission:

GeneDx
Classification: Benign. Last evaluated: 2020-02-17. Review status: criteria provided, single submitter. Criteria: GeneDx Variant Classification Process June 2021. Collection method: clinical testing. Allele origin: germline. Affected: yes.
Comment: This variant is associated with the following publications: (PMID: 31204011)